The following is an entry in ClinVar:

ClinVar aggregate classification (germline): Conflicting classifications of pathogenicity. Review status: criteria provided, conflicting classifications (1 of 4 stars). 4 submissions from 4 submitters: Uncertain significance (3); Likely benign (1). Last evaluated 2026-02-03.

Conditions:
Renal carnitine transport defect (CDSP). Also called: Carnitine Deficiency, Systemic; Systemic primary carnitine deficiency disease; CARNITINE DEFICIENCY, SYSTEMIC, DUE TO DEFECT IN RENAL REABSORPTION OF CARNITINE; CARNITINE TRANSPORTER, PLASMA-MEMBRANE, DEFICIENCY OF; CARNITINE UPTAKE DEFECT; Primary carnitine deficiency. Identifiers: Orphanet 158, MedGen C0342788, MONDO:0008919, OMIM 212140.
Inborn genetic diseases. Identifiers: MedGen C0950123, MeSH D030342.

Allele frequency attached by ClinVar (database versions not stated): ExAC 0.00001; gnomAD exomes 0.00001 and 0.00004; TOPMed 0.00008; gnomAD 0.00015 and 0.00016; 1000 Genomes Project 30x 0.00016; 1000 Genomes Project 0.00020.
gnomAD v4.1: 42 of 1,612,748 alleles (0.0026%); highest among the groups gnomAD compares: Admixed American, 0.07%; no homozygotes.

Submissions (4):

Labcorp Genetics (formerly Invitae), Labcorp
Classification: Uncertain significance for Renal carnitine transport defect. Last evaluated: 2026-02-03. Review status: criteria provided, single submitter. Criteria: Invitae Variant Classification Sherloc (09022015). Collection method: clinical testing. Allele origin: germline.
Comment: This sequence change replaces serine, which is neutral and polar, with alanine, which is neutral and non-polar, at codon 39 of the SLC22A5 protein (p.Ser39Ala). This variant is present in population databases (rs544332057, gnomAD 0.03%). This variant has not been reported in the literature in individuals affected with SLC22A5-related conditions. ClinVar contains an entry for this variant (Variation ID: 1354484). Invitae Evidence Modeling of protein sequence and biophysical properties (such as structural, functional, and spatial information, amino acid conservation, physicochemical variation, residue mobility, and thermodynamic stability) indicates that this missense variant is not expected to disrupt SLC22A5 protein function with a negative predictive value of 95%. In summary, the available evidence is currently insufficient to determine the role of this variant in disease. Therefore, it has been classified as a Variant of Uncertain Significance.

Ambry Genetics
Classification: Uncertain significance for Inborn genetic diseases. Last evaluated: 2023-03-07. Review status: criteria provided, single submitter. Criteria: Ambry Variant Classification Scheme 2023. Collection method: clinical testing. Allele origin: germline.

Giacomini Lab, University of California, San Francisco
Classification: Likely benign for Renal carnitine transport defect. Last evaluated: 2022-10-03. Review status: criteria provided, single submitter. Criteria: ACMG Guidelines, 2015. Collection method: research, in vitro. Allele origin: germline, not applicable.

Revvity Omics, Revvity
Classification: Uncertain significance for Renal carnitine transport defect. Last evaluated: 2019-11-25. Review status: criteria provided, single submitter. Criteria: ACMG Guidelines, 2015. Collection method: clinical testing. Allele origin: germline.

NM_003060.4(SLC22A5):c.115T>G (p.Ser39Ala)

Gene: SLC22A5 (solute carrier family 22 member 5; plus strand). Cytogenetic location: 5q31.1.
Variant type: single nucleotide variant.
Coding change: c.115T>G on transcript NM_003060.4 (MANE Select); coding-DNA position 115, T replaced by G.
Protein change: p.Ser39Ala; replaces serine 39 with alanine.
Molecular consequence: missense variant.
Genome position (GRCh38, 1-based): chr5:132,370,087, T>G. VCF-style: chr5-132370087-T-G. GRCh37 (hg19) VCF-style: chr5-131705779-T-G.
Other names: p.Ser39Ala; c.115T>G (NM_003060.3); c.115T>G, p.Ser39Ala (NM_001308122.2); short protein forms S39A.
Identifiers: ClinVar variation 1354484 (VCV001354484.12), dbSNP rs544332057, ClinGen allele CA3403789.